The following is an entry in ClinVar:

ClinVar aggregate classification (germline): Uncertain significance (1 of 4 stars; one submission).

Conditions:
Autosomal recessive severe congenital neutropenia due to CSF3R deficiency. Also called: Neutropenia, severe congenital, 7, autosomal recessive. Identifiers: Orphanet 420702, MedGen C4310764, MONDO:0014865, OMIM 617014.

Allele frequency attached by ClinVar (database versions not stated): TOPMed below 0.00001.

Submission:

Labcorp Genetics (formerly Invitae), Labcorp
Classification: Uncertain significance for Autosomal recessive severe congenital neutropenia due to CSF3R deficiency. Last evaluated: 2022-07-16. Review status: criteria provided, single submitter. Criteria: Invitae Variant Classification Sherloc (09022015). Collection method: clinical testing. Allele origin: germline.
Comment: In summary, the available evidence is currently insufficient to determine the role of this variant in disease. Therefore, it has been classified as a Variant of Uncertain Significance. Algorithms developed to predict the effect of missense changes on protein structure and function are either unavailable or do not agree on the potential impact of this missense change (SIFT: "Tolerated"; PolyPhen-2: "Probably Damaging"; Align-GVGD: "Class C0"). This variant has not been reported in the literature in individuals affected with CSF3R-related conditions. This variant is not present in population databases (gnomAD no frequency). This sequence change replaces serine, which is neutral and polar, with cysteine, which is neutral and slightly polar, at codon 772 of the CSF3R protein (p.Ser772Cys).

NM_000760.4(CSF3R):c.2315C>G (p.Ser772Cys)

Gene: CSF3R (colony stimulating factor 3 receptor; minus strand). Cytogenetic location: 1p34.3.
Variant type: single nucleotide variant.
Coding change: c.2315C>G on transcript NM_000760.4 (MANE Select); coding-DNA position 2315, C replaced by G.
Protein change: p.Ser772Cys; replaces serine 772 with cysteine.
Molecular consequence: missense variant. On other transcripts: intron variant (1).
Genome position (GRCh38, 1-based): chr1:36,466,553, G>C on the plus strand (C>G on the coding strand, the complement: CSF3R is on the minus strand). VCF-style: chr1-36466553-G-C. GRCh37 (hg19) VCF-style: chr1-36932154-G-C.
Other names: c.2396C>G, p.Ser799Cys (NM_156039.3); c.2247+68C>G (NM_172313.3); short protein forms S772C, S799C.
Identifiers: ClinVar variation 1715885 (VCV001715885.5), dbSNP rs1650326040, ClinGen allele CA339413284.